The following is an entry in ClinVar:

NM_001205293.3(CACNA1E):c.2663G>C (p.Cys888Ser)

Gene: CACNA1E (calcium voltage-gated channel subunit alpha1 E; plus strand). Cytogenetic location: 1q25.3.
Variant type: single nucleotide variant.
Coding change: c.2663G>C on transcript NM_001205293.3 (MANE Select); coding-DNA position 2663, G replaced by C.
Protein change: p.Cys888Ser; replaces cysteine 888 with serine.
Molecular consequence: missense variant.
Genome position (GRCh38, 1-based): chr1:181,732,749, G>C. VCF-style: chr1-181732749-G-C. GRCh37 (hg19) VCF-style: chr1-181701885-G-C.
Other names: c.2663G>C, p.Cys888Ser (NM_000721.4); c.2606G>C, p.Cys869Ser (NM_001205294.2); short protein forms C869S, C888S.
Identifiers: ClinVar variation 1718130 (VCV001718130.5), dbSNP rs776110155, ClinGen allele CA343618440.
Genomic context (GRCh38, chr1:181,732,749, plus strand): 5'-ACAACCAGAGGACCCCTTTGTCCCTGGGCCAGCGGGAGCCACCATGGCTGGCCAGGCCCT[G>C]TCATGGAAACTGTGACCCGACTCAGCAGGAGGCAGGGGGAGGAGAGGCTGTGGTGACCTT-3'
Protein context (NP_001192222.1, residues 878-898): QREPPWLARP[Cys888Ser]HGNCDPTQQE

ClinVar aggregate classification (germline): Uncertain significance (1 of 4 stars; one submission).

Submission:

Labcorp Genetics (formerly Invitae), Labcorp
Classification: Uncertain significance. Last evaluated: 2022-08-27. Review status: criteria provided, single submitter. Criteria: Invitae Variant Classification Sherloc (09022015). Collection method: clinical testing. Allele origin: germline.
Comment: In summary, the available evidence is currently insufficient to determine the role of this variant in disease. Therefore, it has been classified as a Variant of Uncertain Significance. Advanced modeling of protein sequence and biophysical properties (such as structural, functional, and spatial information, amino acid conservation, physicochemical variation, residue mobility, and thermodynamic stability) performed at Invitae indicates that this missense variant is not expected to disrupt CACNA1E protein function. This variant has not been reported in the literature in individuals affected with CACNA1E-related conditions. This variant is not present in population databases (gnomAD no frequency). This sequence change replaces cysteine, which is neutral and slightly polar, with serine, which is neutral and polar, at codon 888 of the CACNA1E protein (p.Cys888Ser).